The following is an entry in ClinVar:

NM_000059.4(BRCA2):c.7135G>A (p.Gly2379Arg)

Gene: BRCA2 (BRCA2 DNA repair associated; plus strand). Cytogenetic location: 13q13.1.
Variant type: single nucleotide variant.
Coding change: c.7135G>A on transcript NM_000059.4 (MANE Select); coding-DNA position 7135, G replaced by A.
Protein change: p.Gly2379Arg; replaces glycine 2379 with arginine.
Molecular consequence: missense variant. On other transcripts: non-coding transcript variant (1).
Genome position (GRCh38, 1-based): chr13:32,354,988, G>A. VCF-style: chr13-32354988-G-A. GRCh37 (hg19) VCF-style: chr13-32929125-G-A.
Other names: c.7039G>A, p.Gly2347Arg (NM_001406719.1); c.7135G>A, p.Gly2379Arg (NM_001406720.1); c.2203G>A, p.Gly735Arg (NM_001406721.1); c.718G>A, p.Gly240Arg (NM_001406722.1); short protein forms G240R, G735R, G2347R, G2379R.
Identifiers: ClinVar variation 2713310 (VCV002713310.3), dbSNP rs2137556213, ClinGen allele CA387738886.

ClinVar aggregate classification (germline): Uncertain significance (1 of 4 stars; one submission).

Conditions:
Hereditary breast ovarian cancer syndrome. Also called: Hereditary breast and ovarian cancer syndrome; Hereditary breast and ovarian cancer syndrome (HBOC); Hereditary breast and/or ovarian cancer syndrome; Hereditary breast and ovarian cancer; Breast and ovarian cancer; BRCA1- and BRCA2-Associated Hereditary Breast and Ovarian Cancer. Identifiers: Orphanet 145, MedGen C0677776, MeSH D061325, MONDO:0003582. Disease mechanism: loss of function.

Submission:

Labcorp Genetics (formerly Invitae), Labcorp
Classification: Uncertain significance for Hereditary breast ovarian cancer syndrome. Last evaluated: 2024-02-01. Review status: criteria provided, single submitter. Criteria: Invitae Variant Classification Sherloc (09022015). Collection method: clinical testing. Allele origin: germline.
Comment: This sequence change replaces glycine, which is neutral and non-polar, with arginine, which is basic and polar, at codon 2379 of the BRCA2 protein (p.Gly2379Arg). This variant is not present in population databases (gnomAD no frequency). This variant has not been reported in the literature in individuals affected with BRCA2-related conditions. Advanced modeling of protein sequence and biophysical properties (such as structural, functional, and spatial information, amino acid conservation, physicochemical variation, residue mobility, and thermodynamic stability) performed at Invitae indicates that this missense variant is not expected to disrupt BRCA2 protein function with a negative predictive value of 95%. In summary, the available evidence is currently insufficient to determine the role of this variant in disease. Therefore, it has been classified as a Variant of Uncertain Significance.